The following is an entry in ClinVar:

ClinVar aggregate classification (germline): Likely pathogenic (1 of 4 stars; one submission).

Conditions:
Familial cancer of breast. Also called: Hereditary breast cancer; hereditary breast carcinoma; BREAST CANCER, FAMILIAL. Identifiers: Orphanet 227535, MedGen C0346153, MONDO:0016419, OMIM 114480. Disease mechanism: loss of function.

Submission:

Institute of Human Genetics, University of Goettingen
Classification: Likely pathogenic for Familial cancer of breast. Last evaluated: 2021-08-12. Review status: criteria provided, single submitter. Criteria: ACMG Guidelines, 2015. Collection method: clinical testing. Allele origin: unknown. Inheritance: Autosomal dominant inheritance. Affected: yes. Observed: 1 variant allele, 1 heterozygote.
Comment: ACMG criteria used for classification: PVS1, PM2.

NM_000051.4(ATM):c.1372_1397dup (p.Gln466fs)

Gene: ATM (ATM serine/threonine kinase; plus strand). Cytogenetic location: 11q22.3.
Variant type: Duplication.
Coding change: c.1372_1397dup on transcript NM_000051.4 (MANE Select); coding-DNA positions 1372 to 1397, 26 bases duplicated (TGCCTTACGGAAGTTGCATTGTGTCA).
Protein change: p.Gln466fs; shifts the reading frame from glutamine 466.
Molecular consequence: frameshift variant.
Genome position (GRCh38, 1-based): chr11:108,250,837-108,250,862, TGCCTTACGGAAGTTGCATTGTGTCA duplicated; duplicating any 26 consecutive bases within chr11:108,250,836-108,250,862 gives the same sequence; the c. name uses the placement nearest the transcript's 3' end. VCF-style (leftmost placement, unchanged base first): chr11-108250835-G-GATGCCTTACGGAAGTTGCATTGTGTC. GRCh37 (hg19) VCF-style: chr11-108121562-G-GATGCCTTACGGAAGTTGCATTGTGTC.
Other names: c.1372_1397dup, p.Gln466fs (NM_001351834.2); short protein forms Q466fs.
Identifiers: ClinVar variation 1195887 (VCV001195887.3), dbSNP rs2135320462, ClinGen allele CA2499220565.